The following is an entry in ClinVar:

ClinVar aggregate classification (germline): Conflicting classifications of pathogenicity. Review status: criteria provided, conflicting classifications (1 of 4 stars). 4 submissions from 3 submitters: Uncertain significance (3); Benign (1). Last evaluated 2024-02-23.

Conditions:
Hawkinsinuria. Identifiers: Orphanet 2118, MedGen C2931042, MONDO:0007700, OMIM 140350, HP:0034457.
Tyrosinemia type III. Also called: Tyrosinemia type 3; 4-alpha hydroxyphenylpyruvic acid oxidase deficiency; 4-alpha hydroxyphenylpyruvate dioxygenase deficiency; 4-Hydroxyphenylpyruvate dioxygenase deficiency; 4-HYDROXYPHENYLPYRUVIC ACID OXIDASE DEFICIENCY. Identifiers: Orphanet 69723, MedGen C0268623, MONDO:0010162, OMIM 276710.
Inborn genetic diseases. Identifiers: MedGen C0950123, MeSH D030342.

Allele frequency attached by ClinVar (database versions not stated): gnomAD 0.00005 and 0.00009; TOPMed 0.00013; ESP Exome Variant Server 0.00023; 1000 Genomes Project 0.00040; 1000 Genomes Project 30x 0.00047.
gnomAD v4.1: 351 of 1,614,044 alleles (0.022%); highest among the groups gnomAD compares: South Asian, 0.037%; no homozygotes.

Submissions (4):

Fulgent Genetics
Classification: Uncertain significance for Hawkinsinuria; Tyrosinemia type III. Last evaluated: 2024-02-23. Review status: criteria provided, single submitter. Criteria: ACMG Guidelines, 2015. Collection method: clinical testing. Allele origin: germline.

Ambry Genetics
Classification: Uncertain significance for Inborn genetic diseases. Last evaluated: 2022-03-17. Review status: criteria provided, single submitter. Criteria: Ambry Variant Classification Scheme 2023. Collection method: clinical testing. Allele origin: germline.

Illumina Laboratory Services, Illumina
Classification: Uncertain significance for Tyrosinemia type III. Last evaluated: 2018-01-13. Review status: criteria provided, single submitter. Criteria: ICSL Variant Classification Criteria 13 December 2019. Collection method: clinical testing. Allele origin: germline.

Illumina Laboratory Services, Illumina
Classification: Benign for Hawkinsinuria. Last evaluated: 2018-01-13. Review status: criteria provided, single submitter. Criteria: ICSL Variant Classification Criteria 13 December 2019. Collection method: clinical testing. Allele origin: germline.
Comment: This variant was observed in the ICSL laboratory as part of a predisposition screen in an ostensibly healthy population. It had not been previously curated by ICSL or reported in the Human Gene Mutation Database (HGMD: prior to June 1st, 2018), and was therefore a candidate for classification through an automated scoring system. Utilizing variant allele frequency, disease prevalence and penetrance estimates, and inheritance mode, an automated score was calculated to assess if this variant is too frequent to cause the disease. Based on the score and internal cut-off values, a variant classified as benign is not then subjected to further curation. The score for this variant resulted in a classification of benign for this disease.

NM_002150.3(HPD):c.836G>A (p.Arg279His)

Genes: HPD (4-hydroxyphenylpyruvate dioxygenase; minus strand), TIALD (transcript inducer of AURKA lysosomal degradation; plus strand). Cytogenetic location: 12q24.31.
Variant type: single nucleotide variant.
Coding change: c.836G>A on transcript NM_002150.3 (MANE Select); coding-DNA position 836, G replaced by A.
Protein change: p.Arg279His; replaces arginine 279 with histidine.
Molecular consequence: missense variant.
Genome position (GRCh38, 1-based): chr12:121,843,828, C>T on the plus strand (G>A on the coding strand, the complement: HPD is on the minus strand). VCF-style: chr12-121843828-C-T. GRCh37 (hg19) VCF-style: chr12-122281734-C-T.
Other names: c.719G>A, p.Arg240His (NM_001171993.2); short protein forms R240H, R279H.
Identifiers: ClinVar variation 307482 (VCV000307482.8), dbSNP rs140144597, ClinGen allele CA6839503.
Genomic context (GRCh38, chr12:121,843,828, plus strand): 5'-AGTTGTTTGTAGTACGTGGAGGGAACAGATAAGAACTCCAGGCCTCTCTCTCTCAAGTGG[C>T]GAATCTGTTTCAGAGCAAAGCTGAGGTCAGCCTTCGGCCTCCAAGTTCAACTCCCCTAGC-3'
Protein context (NP_002141.2, residues 269-289): LKTEDIITAI[Arg279His]HLRERGLEFL